The following is an entry in ClinVar:

NM_001378457.1(DMXL2):c.7103A>T (p.Glu2368Val)

Gene: DMXL2 (Dmx like 2; minus strand). Cytogenetic location: 15q21.2.
Variant type: single nucleotide variant.
Coding change: c.7103A>T on transcript NM_001378457.1 (MANE Select); coding-DNA position 7103, A replaced by T.
Protein change: p.Glu2368Val; replaces glutamic acid 2368 with valine.
Molecular consequence: missense variant. On other transcripts: non-coding transcript variant (2).
Genome position (GRCh38, 1-based): chr15:51,474,454, T>A on the plus strand (A>T on the coding strand, the complement: DMXL2 is on the minus strand). VCF-style: chr15-51474454-T-A. GRCh37 (hg19) VCF-style: chr15-51766651-T-A.
Other names: c.7103A>T, p.Glu2368Val (NM_001174116.3, NM_001378459.1, NM_001378461.1 and 1 more transcripts); c.5192A>T, p.Glu1731Val (NM_001174117.3); c.7100A>T, p.Glu2367Val (NM_001378458.1, NM_001378462.1, NM_015263.5); c.5081A>T, p.Glu1694Val (NM_001378460.1); c.6860A>T, p.Glu2287Val (NM_001378464.1); short protein forms E1731V, E1694V, E2287V, E2367V, E2368V.
Identifiers: ClinVar variation 1471611 (VCV001471611.6), dbSNP rs753513520, ClinGen allele CA7561457.

ClinVar aggregate classification (germline): Uncertain significance (1 of 4 stars; one submission).

Allele frequency attached by ClinVar (database versions not stated): gnomAD exomes below 0.00001; ExAC 0.00001.
gnomAD v4.1: 5 of 1,614,170 alleles (0.00031%); highest among the groups gnomAD compares: Middle Eastern, 0.033%; no homozygotes.

Submission:

Labcorp Genetics (formerly Invitae), Labcorp
Classification: Uncertain significance. Last evaluated: 2022-02-03. Review status: criteria provided, single submitter. Criteria: Invitae Variant Classification Sherloc (09022015). Collection method: clinical testing. Allele origin: germline.
Comment: In summary, the available evidence is currently insufficient to determine the role of this variant in disease. Therefore, it has been classified as a Variant of Uncertain Significance. Algorithms developed to predict the effect of missense changes on protein structure and function are either unavailable or do not agree on the potential impact of this missense change (SIFT: "Tolerated"; PolyPhen-2: "Possibly Damaging"; Align-GVGD: "Class C0"). This variant has not been reported in the literature in individuals affected with DMXL2-related conditions. This variant is present in population databases (rs753513520, gnomAD 0.003%). This sequence change replaces glutamic acid, which is acidic and polar, with valine, which is neutral and non-polar, at codon 2368 of the DMXL2 protein (p.Glu2368Val).